The following is an entry in ClinVar:

ClinVar aggregate classification (germline): Likely benign. Review status: criteria provided, multiple submitters, no conflicts (2 of 4 stars). 3 submissions from 3 submitters: Likely benign (2). 1 of the submissions does not count toward it. Last evaluated 2025-12-22.

Conditions:
MYO5B-related disorder. Also called: MYO5B-related condition.

Allele frequency attached by ClinVar (database versions not stated): gnomAD exomes 0.00020; ExAC 0.00030; ESP Exome Variant Server 0.00070; TOPMed 0.00085; 1000 Genomes Project 30x 0.00094; gnomAD 0.00098 and 0.00108; 1000 Genomes Project 0.00100.
gnomAD v4.1: 284 of 1,614,164 alleles (0.018%); highest among the groups gnomAD compares: African/African-American, 0.33%; no homozygotes.

Submissions (3):

Labcorp Genetics (formerly Invitae), Labcorp
Classification: Likely benign. Last evaluated: 2025-12-22. Review status: criteria provided, single submitter. Criteria: Invitae Variant Classification Sherloc (09022015). Collection method: clinical testing. Allele origin: germline.

Breakthrough Genomics
Classification: Likely benign. Review status: criteria provided, single submitter. Criteria: ACMG Guidelines, 2015. Collection method: not provided. Allele origin: germline. Inheritance: Autosomal recessive inheritance. Affected: yes.

PreventionGenetics, part of Exact Sciences
Classification: Likely benign for MYO5B-related condition. Last evaluated: 2022-02-23. Review status: no assertion criteria provided. Collection method: clinical testing. Allele origin: germline. Not counted in ClinVar's aggregate classification.
Comment: This variant is classified as likely benign based on ACMG/AMP sequence variant interpretation guidelines (Richards et al. 2015 PMID: 25741868, with internal and published modifications).

NM_001080467.3(MYO5B):c.1154C>T (p.Ser385Leu)

Gene: MYO5B (myosin VB; minus strand). Cytogenetic location: 18q21.1.
Variant type: single nucleotide variant.
Coding change: c.1154C>T on transcript NM_001080467.3 (MANE Select); coding-DNA position 1154, C replaced by T.
Protein change: p.Ser385Leu; replaces serine 385 with leucine.
Molecular consequence: missense variant.
Genome position (GRCh38, 1-based): chr18:49,974,518, G>A on the plus strand (C>T on the coding strand, the complement: MYO5B is on the minus strand). VCF-style: chr18-49974518-G-A. GRCh37 (hg19) VCF-style: chr18-47500888-G-A.
Other names: short protein forms S385L.
Identifiers: ClinVar variation 745905 (VCV000745905.12), dbSNP rs200796610, ClinGen allele CA8961628.